The following is an entry in ClinVar:

NM_000492.4(CFTR):c.1680-717A>G

Gene: CFTR (CF transmembrane conductance regulator; plus strand). Cytogenetic location: 7q31.2.
Variant type: single nucleotide variant.
Coding change: c.1680-717A>G on transcript NM_000492.4 (MANE Select); 717 bases into the intron before coding-DNA position 1680, A replaced by G.
Molecular consequence: intron variant.
Genome position (GRCh38, 1-based): chr7:117,589,636, A>G. VCF-style: chr7-117589636-A-G. GRCh37 (hg19) VCF-style: chr7-117229690-A-G.
Identifiers: ClinVar variation 1704416 (VCV001704416.1), dbSNP rs2485106297, ClinGen allele CA2580076331.

ClinVar aggregate classification (germline): Benign (1 of 4 stars; one submission).

Conditions:
Cystic fibrosis (CF). Also called: MUCOVISCIDOSIS. Identifiers: Orphanet 586, MedGen C0010674, MONDO:0009061, OMIM 219700. Disease mechanism: loss of function.

Submission:

CFTR-France
Classification: Benign for Cystic fibrosis. Last evaluated: 2019-09-12. Review status: criteria provided, single submitter. Criteria: Claustres M et al. (Hum Mutat 2017). Collection method: curation. Allele origin: germline. Affected: yes and no. Observed: 2 variant alleles.
Comment: the variant does not result in CFTR-RD neither